The following is an entry in ClinVar:

NM_020461.4(TUBGCP6):c.4374C>T (p.Pro1458=)

Gene: TUBGCP6 (tubulin gamma complex component 6; minus strand). Cytogenetic location: 22q13.33.
Variant type: single nucleotide variant.
Coding change: c.4374C>T on transcript NM_020461.4 (MANE Select); coding-DNA position 4374, C replaced by T.
Protein change: p.Pro1458=; no amino-acid change (proline 1458 retained).
Molecular consequence: synonymous variant.
Genome position (GRCh38, 1-based): chr22:50,219,398, G>A on the plus strand (C>T on the coding strand, the complement: TUBGCP6 is on the minus strand). VCF-style: chr22-50219398-G-A. GRCh37 (hg19) VCF-style: chr22-50657827-G-A.
Other names: c.4374C>T (NM_020461.3).
Identifiers: ClinVar variation 1151527 (VCV001151527.12), dbSNP rs145964003, ClinGen allele CA10307528.

ClinVar aggregate classification (germline): Likely benign. Review status: criteria provided, single submitter (1 of 4 stars). 2 submissions from 2 submitters: Likely benign (1). 1 of the submissions does not count toward it. Last evaluated 2025-04-07.

Conditions:
TUBGCP6-related disorder. Also called: TUBGCP6-related condition.

Allele frequency attached by ClinVar (database versions not stated): gnomAD 0.00001 and 0.00003; gnomAD exomes 0.00001 and 0.00004; TOPMed 0.00002; ExAC 0.00012; 1000 Genomes Project 30x 0.00047; 1000 Genomes Project 0.00060.

Submissions (2):

Labcorp Genetics (formerly Invitae), Labcorp
Classification: Likely benign. Last evaluated: 2025-04-07. Review status: criteria provided, single submitter. Criteria: Invitae Variant Classification Sherloc (09022015). Collection method: clinical testing. Allele origin: germline.

PreventionGenetics, part of Exact Sciences
Classification: Likely benign for TUBGCP6-related condition. Last evaluated: 2019-02-22. Review status: no assertion criteria provided. Collection method: clinical testing. Allele origin: germline. Not counted in ClinVar's aggregate classification.
Comment: This variant is classified as likely benign based on ACMG/AMP sequence variant interpretation guidelines (Richards et al. 2015 PMID: 25741868, with internal and published modifications).